The following is an entry in ClinVar:

NM_206933.4(USH2A):c.1387_1416del (p.Tyr463_Asn472del)

Gene: USH2A (usherin; minus strand). Cytogenetic location: 1q41.
Variant type: Deletion.
Coding change: c.1387_1416del on transcript NM_206933.4 (MANE Select); coding-DNA positions 1387 to 1416, 30 bases deleted (TATCGTCCTGGATACAATAACTTCTATAAT).
Protein change: p.Tyr463_Asn472del.
Molecular consequence: inframe deletion.
Genome position (GRCh38, 1-based): chr1:216,323,608-216,323,637, ATTATAGAAGTTATTGTATCCAGGACGATA deleted on the plus strand (TATCGTCCTGGATACAATAACTTCTATAAT on the coding strand, the reverse complement: USH2A is on the minus strand); deleting any 30 consecutive bases within chr1:216,323,608-216,323,640 gives the same sequence; the c. name uses the placement nearest the transcript's 3' end. VCF-style (leftmost placement, unchanged base first): chr1-216323607-TATTATAGAAGTTATTGTATCCAGGACGATA-T. GRCh37 (hg19) VCF-style: chr1-216496949-TATTATAGAAGTTATTGTATCCAGGACGATA-T.
Other names: c.1387_1416del, p.Tyr463_Asn472del (NM_007123.6).
Identifiers: ClinVar variation 1011581 (VCV001011581.10), dbSNP rs1005235415, ClinGen allele CA37898175.
Genomic context (GRCh38, chr1:216,323,607, plus strand): 5'-ACTGCCCATGAAAATGAAACCTTATTTGCGTGGCTTTTACGAACTCTTGAAGAGATGGGG[TATTATAGAAGTTATTGTATCCAGGACGATA>T]ATTTGGTCCAGGTGTCAGGATGCTAAATGTGACATTGCCACGGGAATATGGAGTAAAACT-3'

ClinVar aggregate classification (germline): Pathogenic (1 of 4 stars; one submission).

Submission:

Labcorp Genetics (formerly Invitae), Labcorp
Classification: Pathogenic. Last evaluated: 2024-02-01. Review status: criteria provided, single submitter. Criteria: Invitae Variant Classification Sherloc (09022015). Collection method: clinical testing. Allele origin: germline.
Comment: This variant, c.1387_1416del, results in the deletion of 10 amino acid(s) of the USH2A protein (p.Tyr463_Asn472del), but otherwise preserves the integrity of the reading frame. This variant is not present in population databases (gnomAD no frequency). This variant has been observed in individual(s) with retinitis pigmentosa (Invitae). ClinVar contains an entry for this variant (Variation ID: 1011581). This variant disrupts a region of the USH2A protein in which other variant(s) (p.Gly466Val) have been determined to be pathogenic (PMID: 24938718, 31960602; Invitae). This suggests that this is a clinically significant region of the protein, and that variants that disrupt it are likely to be disease-causing. For these reasons, this variant has been classified as Pathogenic.

Literature cited by the submitters: PubMed 24938718; PubMed 31960602.